The following is an entry in ClinVar:

ClinVar aggregate classification (germline): Pathogenic/Likely pathogenic. Review status: criteria provided, multiple submitters, no conflicts (2 of 4 stars). 2 submissions from 2 submitters: Pathogenic (1); Likely pathogenic (1). Last evaluated 2025-07-10.

Conditions:
Autosomal recessive nonsyndromic hearing loss 77. Identifiers: Orphanet 90636, MedGen C2746083, MONDO:0013119, OMIM 613079.

Allele frequency attached by ClinVar (database versions not stated): gnomAD 0.00001.

Submissions (2):

Labcorp Genetics (formerly Invitae), Labcorp
Classification: Pathogenic. Last evaluated: 2025-07-10. Review status: criteria provided, single submitter. Criteria: Invitae Variant Classification Sherloc (09022015). Collection method: clinical testing. Allele origin: germline.
Comment: This sequence change affects a donor splice site in intron 21 of the LOXHD1 gene. It is expected to disrupt RNA splicing. Variants that disrupt the donor or acceptor splice site typically lead to a loss of protein function (PMID: 16199547), and loss-of-function variants in LOXHD1 are known to be pathogenic (PMID: 19732867, 21465660, 25792669). The frequency data for this variant in the population databases is considered unreliable, as metrics indicate poor data quality at this position in the gnomAD database. Disruption of this splice site has been observed in individuals with deafness (PMID: 32279305; internal data). ClinVar contains an entry for this variant (Variation ID: 1487750). Algorithms developed to predict the effect of sequence changes on RNA splicing suggest that this variant may disrupt the consensus splice site. For these reasons, this variant has been classified as Pathogenic.

Natera, Inc.
Classification: Likely pathogenic for Autosomal recessive deafness type 77. Last evaluated: 2024-07-02. Review status: criteria provided, single submitter. Criteria: Natera Variant Classification Schema (03/2026). Collection method: clinical testing. Allele origin: germline.
Comment: The c.3350+1G>T variant in LOXHD1 is a canonical splice donor site variant predicted to affect pre-mRNA splicing, which may result in an abnormal transcript and altered protein product. This variant is expected to result in nonsense mediated decay, truncation, or a dysfunctional protein product. This variant is rare in the general population with a frequency below the threshold expected for the associated phenotype(s). Given the available evidence, this variant is classified as Likely Pathogenic.

Literature cited by the submitters: PubMed 16199547 (cited by Labcorp Genetics (formerly Invitae), Labcorp); PubMed 19732867 (cited by Labcorp Genetics (formerly Invitae), Labcorp); PubMed 21465660 (cited by Labcorp Genetics (formerly Invitae), Labcorp); PubMed 25792669 (cited by Labcorp Genetics (formerly Invitae), Labcorp); PubMed 32279305 (cited by Labcorp Genetics (formerly Invitae), Labcorp).

NM_001384474.1(LOXHD1):c.3350+1G>T

Gene: LOXHD1 (lipoxygenase homology PLAT domains 1; minus strand). Cytogenetic location: 18q21.1.
Variant type: single nucleotide variant.
Coding change: c.3350+1G>T on transcript NM_001384474.1 (MANE Select); the canonical splice donor site of the intron after coding-DNA position 3350, G replaced by T.
Molecular consequence: splice donor variant.
Genome position (GRCh38, 1-based): chr18:46,557,355, C>A on the plus strand (G>T on the coding strand, the complement: LOXHD1 is on the minus strand). VCF-style: chr18-46557355-C-A. GRCh37 (hg19) VCF-style: chr18-44137318-C-A.
Other names: c.3350+1G>T (NM_144612.6, NM_144612.7); c.17+1G>T (NM_001145472.3).
Identifiers: ClinVar variation 1487750 (VCV001487750.7), dbSNP rs1301706601, ClinGen allele CA402368598.